The following is an entry in ClinVar:

NM_000393.5(COL5A2):c.2855G>A (p.Arg952His)

Gene: COL5A2 (collagen type V alpha 2 chain; minus strand). Cytogenetic location: 2q32.2.
Variant type: single nucleotide variant.
Coding change: c.2855G>A on transcript NM_000393.5 (MANE Select); coding-DNA position 2855, G replaced by A.
Protein change: p.Arg952His; replaces arginine 952 with histidine.
Molecular consequence: missense variant.
Genome position (GRCh38, 1-based): chr2:189,051,396, C>T on the plus strand (G>A on the coding strand, the complement: COL5A2 is on the minus strand). VCF-style: chr2-189051396-C-T. GRCh37 (hg19) VCF-style: chr2-189916122-C-T.
Other names: c.2855G>A (NM_000393.4); short protein forms R952H.
Identifiers: ClinVar variation 529265 (VCV000529265.55), dbSNP rs139264859, ClinGen allele CA2022166.

ClinVar aggregate classification (germline): Conflicting classifications of pathogenicity. Review status: criteria provided, conflicting classifications (1 of 4 stars). 5 submissions from 5 submitters: Uncertain significance (3); Likely benign (1). 1 of the submissions does not count toward it. Last evaluated 2026-01-19.

Conditions:
Familial thoracic aortic aneurysm and aortic dissection (TAAD). Also called: Thoracic aortic aneurysms and dissections. Identifiers: Orphanet 91387, MedGen C4707243, MONDO:0019625.
COL5A2-related disorder. Also called: COL5A2-related condition.
Ehlers-Danlos syndrome, classic type, 1 (EDSCL1). Also called: Ehlers-Danlos Syndrome, Classic Type, COL5A1-Related; EDS I; Ehlers-Danlos syndrome, type 1; EHLERS-DANLOS SYNDROME, GRAVIS TYPE; EHLERS-DANLOS SYNDROME, SEVERE CLASSIC TYPE. Identifiers: MedGen C0268335, MONDO:0019567, OMIM 130000.

Allele frequency attached by ClinVar (database versions not stated): gnomAD exomes 0.00005; ExAC 0.00006; gnomAD 0.00011; TOPMed 0.00012; ESP Exome Variant Server 0.00015.
gnomAD v4.1: 86 of 1,613,940 alleles (0.0053%); highest among the groups gnomAD compares: African/African-American, 0.021%; no homozygotes.

Submissions (5):

Labcorp Genetics (formerly Invitae), Labcorp
Classification: Likely benign for Ehlers-Danlos syndrome, classic type, 1. Last evaluated: 2026-01-19. Review status: criteria provided, single submitter. Criteria: Invitae Variant Classification Sherloc (09022015). Collection method: clinical testing. Allele origin: germline.

GeneDx
Classification: Uncertain significance. Last evaluated: 2025-02-19. Review status: criteria provided, single submitter. Criteria: GeneDx Variant Classification Process June 2021. Collection method: clinical testing. Allele origin: germline. Affected: yes.
Comment: Has not been previously published as pathogenic or benign to our knowledge; In silico analysis supports that this missense variant has a deleterious effect on protein structure/function

Ambry Genetics
Classification: Uncertain significance for Familial thoracic aortic aneurysm and aortic dissection. Last evaluated: 2024-05-03. Review status: criteria provided, single submitter. Criteria: Ambry Variant Classification Scheme 2023. Collection method: clinical testing. Allele origin: germline.
Comment: The p.R952H variant (also known as c.2855G>A), located in coding exon 42 of the COL5A2 gene, results from a G to A substitution at nucleotide position 2855. The arginine at codon 952 is replaced by histidine, an amino acid with highly similar properties. This amino acid position is well conserved in available vertebrate species. In addition, the in silico prediction for this alteration is inconclusive. Based on the available evidence, the clinical significance of this variant remains unclear.

CeGaT Center for Human Genetics Tuebingen
Classification: Uncertain significance. Last evaluated: 2024-01-01. Review status: criteria provided, single submitter. Criteria: CeGaT Center For Human Genetics Tuebingen Variant Classification Criteria Version 2. Collection method: clinical testing. Allele origin: germline. Affected: yes. Observed: 2 variant alleles.

PreventionGenetics, part of Exact Sciences
Classification: Uncertain significance for COL5A2-related condition. Last evaluated: 2024-08-08. Review status: no assertion criteria provided. Collection method: clinical testing. Allele origin: germline. Not counted in ClinVar's aggregate classification.
Comment: The COL5A2 c.2855G>A variant is predicted to result in the amino acid substitution p.Arg952His. To our knowledge, this variant has not been reported in the literature. This variant is reported in 0.024% of alleles in individuals of African descent in gnomAD. Although we suspect that this variant may be benign, at this time, the clinical significance of this variant is uncertain due to the absence of conclusive functional and genetic evidence.